The following is an entry in ClinVar:

NM_001540.5(HSPB1):c.49_66dup (p.Trp22_Tyr23insAspProPheArgAspTrp)

Gene: HSPB1 (heat shock protein family B (small) member 1; plus strand). Cytogenetic location: 7q11.23.
Variant type: Duplication.
Coding change: c.49_66dup on transcript NM_001540.5 (MANE Select); coding-DNA positions 49 to 66, 18 bases duplicated (GACCCCTTCCGCGACTGG).
Protein change: p.Trp22_Tyr23insAspProPheArgAspTrp.
Molecular consequence: inframe insertion.
Genome position (GRCh38, 1-based): chr7:76,302,761-76,302,778, GACCCCTTCCGCGACTGG duplicated; duplicating any 18 consecutive bases within chr7:76,302,757-76,302,778 gives the same sequence; the c. name uses the placement nearest the transcript's 3' end. VCF-style (leftmost placement, unchanged base first): chr7-76302756-G-GCTGGGACCCCTTCCGCGA. GRCh37 (hg19) VCF-style: chr7-75932073-G-GCTGGGACCCCTTCCGCGA.
Identifiers: ClinVar variation 4291882 (VCV004291882.1).

ClinVar aggregate classification (germline): Uncertain significance (1 of 4 stars; one submission).

Conditions:
HSPB1-related disorder. Also called: HSPB1-related condition; HSPB1-related disorders.

Submission:

3billion
Classification: Uncertain significance for HSPB1-related disorder. Last evaluated: 2024-07-19. Review status: criteria provided, single submitter. Criteria: ACMG Guidelines, 2015. Collection method: clinical testing. Allele origin: germline. Affected: yes.
Comment: The variant is not observed in the gnomAD v4.0.0 dataset. Predicted Consequence/Location: Inframe insertion located in a nonrepeat region: predicted to change the length of the protein and disrupt normal protein function. Therefore, this variant is classified as VUS according to the recommendation of ACMG/AMP guideline.